The following is an entry in ClinVar:

NM_002491.3(NDUFB3):c.182T>C (p.Val61Ala)

Gene: NDUFB3 (NADH:ubiquinone oxidoreductase subunit B3; plus strand). Cytogenetic location: 2q33.1.
Variant type: single nucleotide variant.
Coding change: c.182T>C on transcript NM_002491.3 (MANE Select); coding-DNA position 182, T replaced by C.
Protein change: p.Val61Ala; replaces valine 61 with alanine.
Molecular consequence: missense variant.
Genome position (GRCh38, 1-based): chr2:201,085,500, T>C. VCF-style: chr2-201085500-T-C. GRCh37 (hg19) VCF-style: chr2-201950223-T-C.
Other names: c.182T>C, p.Val61Ala (NM_001257102.2); short protein forms V61A.
Identifiers: ClinVar variation 559384 (VCV000559384.14), dbSNP rs139936993, ClinGen allele CA2052324.

ClinVar aggregate classification (germline): Uncertain significance. Review status: criteria provided, multiple submitters, no conflicts (2 of 4 stars). 5 submissions from 5 submitters: Uncertain significance (4). 1 of the submissions does not count toward it. Last evaluated 2026-05-28.

Conditions:
Inborn genetic diseases. Identifiers: MedGen C0950123, MeSH D030342.

Allele frequency attached by ClinVar (database versions not stated): gnomAD 0.00054; gnomAD exomes 0.00064 and 0.00083; ExAC 0.00069; TOPMed 0.00073; ESP Exome Variant Server 0.00100; 1000 Genomes Project 30x 0.00031; 1000 Genomes Project 0.00040.
gnomAD v4.1: 1,286 of 1,612,466 alleles (0.08%); highest among the groups gnomAD compares: Non-Finnish European, 0.1%; no homozygotes.

Submissions (5):

GeneDx
Classification: Uncertain significance. Last evaluated: 2026-05-28. Review status: criteria provided, single submitter. Criteria: GeneDx Variant Classification Process June 2021. Collection method: clinical testing. Allele origin: germline.
Comment: In silico analysis suggests that this missense variant does not alter protein structure/function; Has not been previously published as pathogenic or benign to our knowledge; This variant is associated with the following publications: (PMID: 22885699)

Blueprint Genetics
Classification: Uncertain significance. Last evaluated: 2024-11-05. Review status: criteria provided, single submitter. Criteria: ACMG Guidelines, 2015. Collection method: clinical testing. Allele origin: germline.

Labcorp Genetics (formerly Invitae), Labcorp
Classification: Uncertain significance. Last evaluated: 2024-11-05. Review status: criteria provided, single submitter. Criteria: Invitae Variant Classification Sherloc (09022015). Collection method: clinical testing. Allele origin: germline.
Comment: This sequence change replaces valine, which is neutral and non-polar, with alanine, which is neutral and non-polar, at codon 61 of the NDUFB3 protein (p.Val61Ala). This variant is present in population databases (rs139936993, gnomAD 0.1%), and has an allele count higher than expected for a pathogenic variant. This variant has not been reported in the literature in individuals affected with NDUFB3-related conditions. ClinVar contains an entry for this variant (Variation ID: 559384). An algorithm developed to predict the effect of missense changes on protein structure and function outputs the following: PolyPhen-2: "Benign". The alanine amino acid residue is found in multiple mammalian species, which suggests that this missense change does not adversely affect protein function. In summary, the available evidence is currently insufficient to determine the role of this variant in disease. Therefore, it has been classified as a Variant of Uncertain Significance.

Ambry Genetics
Classification: Uncertain significance for Inborn genetic diseases. Last evaluated: 2024-06-04. Review status: criteria provided, single submitter. Criteria: Ambry Variant Classification Scheme 2023. Collection method: clinical testing. Allele origin: germline.

Mayo Clinic Laboratories, Mayo Clinic
Classification: Uncertain significance. Last evaluated: 2016-03-15. Review status: no assertion criteria provided. Collection method: clinical testing. Allele origin: unknown. Not counted in ClinVar's aggregate classification.